The following is an entry in ClinVar:

NM_002016.2(FLG):c.5001A>C (p.Ala1667=)

Genes: CCDST (cervical cancer associated DHX9 suppressive transcript; plus strand), FLG (filaggrin; minus strand). Cytogenetic location: 1q21.3.
Variant type: single nucleotide variant.
Coding change: c.5001A>C on transcript NM_002016.2 (MANE Select); coding-DNA position 5001, A replaced by C.
Protein change: p.Ala1667=; no amino-acid change (alanine 1667 retained).
Molecular consequence: synonymous variant.
Genome position (GRCh38, 1-based): chr1:152,309,885, T>G on the plus strand (A>C on the coding strand, the complement: FLG is on the minus strand). VCF-style: chr1-152309885-T-G. GRCh37 (hg19) VCF-style: chr1-152282361-T-G.
Identifiers: ClinVar variation 3234235 (VCV003234235.20), dbSNP rs1170870202, ClinGen allele CA420929664.
Genomic context (GRCh38, chr1:152,309,885, plus strand): 5'-CTGCTGGTGGCGGGATCCATGTCTTTCTCCTGGACTTGACCTTGCCTGTTCCTGGGATGA[T>G]GCAGCCTGTCCACCAGAGGAAGTCTCTGCATGACGAGTGCCTGATTGTCTGGAGCTCTCT-3'
Protein context (NP_002007.1, residues 1657-1677): HAETSSGGQA[Ala1667=]SSQEQARSSP

ClinVar aggregate classification (germline): Likely benign (1 of 4 stars; one submission).

gnomAD v4.1: 1 of 1,613,960 alleles (0.000062%); highest among the groups gnomAD compares: South Asian, 0.0011%; no homozygotes.

Submission:

CeGaT Center for Human Genetics Tuebingen
Classification: Likely benign. Last evaluated: 2024-04-01. Review status: criteria provided, single submitter. Criteria: CeGaT Center For Human Genetics Tuebingen Variant Classification Criteria Version 2. Collection method: clinical testing. Allele origin: germline. Affected: yes. Observed: 1 variant allele.
Comment: FLG: BP4, BP7